The following is an entry in ClinVar:

ClinVar aggregate classification (germline): Uncertain significance (1 of 4 stars; one submission).

Submission:

Labcorp Genetics (formerly Invitae), Labcorp
Classification: Uncertain significance. Last evaluated: 2022-04-28. Review status: criteria provided, single submitter. Criteria: Invitae Variant Classification Sherloc (09022015). Collection method: clinical testing. Allele origin: germline.
Comment: Algorithms developed to predict the effect of sequence changes on RNA splicing suggest that this variant may create or strengthen a splice site. Advanced modeling of protein sequence and biophysical properties (such as structural, functional, and spatial information, amino acid conservation, physicochemical variation, residue mobility, and thermodynamic stability) performed at Invitae indicates that this missense variant is expected to disrupt ABCA4 protein function. This variant has not been reported in the literature in individuals affected with ABCA4-related conditions. This variant is not present in population databases (gnomAD no frequency). This sequence change replaces asparagine, which is neutral and polar, with serine, which is neutral and polar, at codon 78 of the ABCA4 protein (p.Asn78Ser). In summary, the available evidence is currently insufficient to determine the role of this variant in disease. Therefore, it has been classified as a Variant of Uncertain Significance.

NM_000350.3(ABCA4):c.233A>G (p.Asn78Ser)

Gene: ABCA4 (ATP binding cassette subfamily A member 4; minus strand). Cytogenetic location: 1p22.1.
Variant type: single nucleotide variant.
Coding change: c.233A>G on transcript NM_000350.3 (MANE Select); coding-DNA position 233, A replaced by G.
Protein change: p.Asn78Ser; replaces asparagine 78 with serine.
Molecular consequence: missense variant.
Genome position (GRCh38, 1-based): chr1:94,111,507, T>C on the plus strand (A>G on the coding strand, the complement: ABCA4 is on the minus strand). VCF-style: chr1-94111507-T-C. GRCh37 (hg19) VCF-style: chr1-94577063-T-C.
Other names: c.233A>G, p.Asn78Ser (NM_001425324.1); short protein forms N78S.
Identifiers: ClinVar variation 2131568 (VCV002131568.4), dbSNP rs2524007819, ClinGen allele CA341285494.